The following is an entry in ClinVar:

ClinVar aggregate classification (germline): Uncertain significance (1 of 4 stars; one submission).

gnomAD v4.1: 3 of 1,612,490 alleles (0.00019%); highest among the groups gnomAD compares: Non-Finnish European, 0.00025%; no homozygotes.

Submission:

Women's Health and Genetics/Laboratory Corporation of America, LabCorp
Classification: Uncertain significance. Last evaluated: 2021-10-19. Review status: criteria provided, single submitter. Criteria: LabCorp Variant Classification Summary - May 2015. Collection method: clinical testing. Allele origin: germline.
Comment: Variant summary: KCNQ1 c.557G>C (p.Gly186Ala) results in a non-conservative amino acid change located in the Ion transport domain of the encoded protein sequence. Five of five in-silico tools predict a damaging effect of the variant on protein function. The variant was absent in 249602 control chromosomes. The available data on variant occurrences in the general population are insufficient to allow any conclusion about variant significance. To our knowledge, no occurrence of c.557G>C in individuals affected with Arrhythmia and no experimental evidence demonstrating its impact on protein function have been reported. Other variants affecting the same codon have been reported as likely pathogenic/pathogenic in ClinVar (p.Gly186Asp, p.Gly186Val). Additionally, other variants at the same codon have been reported in HGMD in association with LQTS (p.Gly186Arg, p.Gly186Ser) and in association with Jervell and Lange-Nielsen syndrome (p.Gly186Asp). No clinical diagnostic laboratories have submitted clinical-significance assessments for this variant to ClinVar after 2014. Based on the evidence outlined above, the variant was classified as uncertain significance.

NM_000218.3(KCNQ1):c.557G>C (p.Gly186Ala)

Gene: KCNQ1 (potassium voltage-gated channel subfamily Q member 1; plus strand). Cytogenetic location: 11p15.5.
Variant type: single nucleotide variant.
Coding change: c.557G>C on transcript NM_000218.3 (MANE Select); coding-DNA position 557, G replaced by C.
Protein change: p.Gly186Ala; replaces glycine 186 with alanine.
Molecular consequence: missense variant.
Genome position (GRCh38, 1-based): chr11:2,570,707, G>C. VCF-style: chr11-2570707-G-C. GRCh37 (hg19) VCF-style: chr11-2591937-G-C.
Other names: c.557G>C, p.Gly186Ala (NM_001406836.1); c.287G>C, p.Gly96Ala (NM_001406837.1); c.176G>C, p.Gly59Ala (NM_181798.2); short protein forms G186A, G59A, G96A.
Identifiers: ClinVar variation 1321388 (VCV001321388.3), dbSNP rs794728568, ClinGen allele CA379129939.
Genomic context (GRCh38, chr11:2,570,707, plus strand): 5'-TCTTCGGGACGGAGTACGTGGTCCGCCTCTGGTCCGCCGGCTGCCGCAGCAAGTACGTGG[G>C]CCTCTGGGGGCGGCTGCGCTTTGCCCGGAAGCCCATTTCCATCATCGGTGAGTCATGCCT-3'
Protein context (NP_000209.2, residues 176-196): WSAGCRSKYV[Gly186Ala]LWGRLRFARK